The following is an entry in ClinVar:

NM_138773.4(SLC25A46):c.346T>C (p.Leu116=)

Gene: SLC25A46 (solute carrier family 25 member 46; plus strand). Cytogenetic location: 5q22.1.
Variant type: single nucleotide variant.
Coding change: c.346T>C on transcript NM_138773.4 (MANE Select); coding-DNA position 346, T replaced by C.
Protein change: p.Leu116=; no amino-acid change (leucine 116 retained).
Molecular consequence: synonymous variant. On other transcripts: non-coding transcript variant (1).
Genome position (GRCh38, 1-based): chr5:110,743,749, T>C. VCF-style: chr5-110743749-T-C. GRCh37 (hg19) VCF-style: chr5-110079450-T-C.
Other names: p.Leu116=; c.346T>C, p.Leu116= (NM_001303249.3); c.73T>C, p.Leu25= (NM_001303250.3).
Identifiers: ClinVar variation 671399 (VCV000671399.15), dbSNP rs17446534, ClinGen allele CA3364562.

ClinVar aggregate classification (germline): Benign/Likely benign. Review status: criteria provided, multiple submitters, no conflicts (2 of 4 stars). 4 submissions from 4 submitters: Benign (3); Likely benign (1). Last evaluated 2026-02-04.

Conditions:
Neuropathy, hereditary motor and sensory, type 6B (HMSN6B). Also called: NEUROPATHY, HEREDITARY MOTOR AND SENSORY, TYPE VIB, WITH OPTIC ATROPHY; Neuropathy, hereditary motor and sensory, type VIB; HMSN VIB; CHARCOT-MARIE-TOOTH DISEASE, TYPE 6B. Identifiers: MedGen C4225302, MONDO:0014671, OMIM 616505.

Allele frequency attached by ClinVar (database versions not stated): 1000 Genomes Project 30x 0.04013; 1000 Genomes Project 0.04034; TOPMed 0.06580; gnomAD exomes 0.06786 and 0.08067; gnomAD 0.06798 and 0.06929; ESP Exome Variant Server 0.07300; ExAC 0.07461.
gnomAD v4.1: 126,962 of 1,599,658 alleles (7.9%); highest among the groups gnomAD compares: Non-Finnish European, 8.9%; 5,562 homozygotes.

Submissions (4):

Labcorp Genetics (formerly Invitae), Labcorp
Classification: Benign for Neuropathy, hereditary motor and sensory, type 6B. Last evaluated: 2026-02-04. Review status: criteria provided, single submitter. Criteria: Invitae Variant Classification Sherloc (09022015). Collection method: clinical testing. Allele origin: germline.

Blueprint Genetics
Classification: Likely benign. Last evaluated: 2024-11-27. Review status: criteria provided, single submitter. Criteria: ACMG Guidelines, 2015. Collection method: clinical testing. Allele origin: germline.

Mayo Clinic Laboratories, Mayo Clinic
Classification: Benign. Last evaluated: 2022-10-27. Review status: criteria provided, single submitter. Criteria: ACMG Guidelines, 2015. Collection method: clinical testing. Allele origin: germline. Observed: 411 variant alleles.

GeneDx
Classification: Benign. Last evaluated: 2018-06-14. Review status: criteria provided, single submitter. Criteria: GeneDx Variant Classification (06012015). Collection method: clinical testing. Allele origin: germline. Affected: yes.
Comment: This variant is considered likely benign or benign based on one or more of the following criteria: it is a conservative change, it occurs at a poorly conserved position in the protein, it is predicted to be benign by multiple in silico algorithms, and/or has population frequency not consistent with disease.